The following is an entry in ClinVar:

ClinVar aggregate classification (germline): Conflicting classifications of pathogenicity. Review status: criteria provided, conflicting classifications (1 of 4 stars). 13 submissions from 13 submitters: Uncertain significance (2); Benign (2); Likely benign (5). 4 of the submissions do not count toward it. Last evaluated 2026-09-01.

Conditions:
Cardiovascular phenotype. Identifiers: MedGen CN230736.
Ehlers-Danlos syndrome due to tenascin-X deficiency (EDSCLL1). Also called: EHLERS-DANLOS SYNDROME, CLASSIC-LIKE; Ehlers-Danlos syndrome, classic-like, 1; TNXB-Related Classical-Like Ehlers-Danlos Syndrome; EDS DUE TO TNX DEFICIENCY; TNX DEFICIENCY. Identifiers: Orphanet 230839, MedGen C1848029, MONDO:0011670, OMIM 606408.
Vesicoureteral reflux 8 (VUR8). Identifiers: Orphanet 289365, MedGen C4014831, MONDO:0014422, OMIM 615963.
Ehlers-Danlos syndrome (EDS). Identifiers: Orphanet 98249, MedGen C0013720, MONDO:0020066.

Allele frequency attached by ClinVar (database versions not stated): ESP Exome Variant Server 0.00110; 1000 Genomes Project 0.00120; TOPMed 0.00130; 1000 Genomes Project 30x 0.00141; gnomAD 0.00158 and 0.00176; gnomAD exomes 0.00192 and 0.00224; ExAC 0.00250.
gnomAD v4.1: 3,055 of 1,612,186 alleles (0.19%); highest among the groups gnomAD compares: South Asian, 0.32%; 6 homozygotes.

Submissions (13):

CeGaT Center for Human Genetics Tuebingen
Classification: Likely benign. Last evaluated: 2026-09-01. Review status: criteria provided, single submitter. Criteria: CeGaT Center For Human Genetics Tuebingen Variant Classification Criteria Version 2. Collection method: clinical testing. Allele origin: germline. Affected: yes. Observed: 17 variant alleles.
Comment: TNXB: BS2

Labcorp Genetics (formerly Invitae), Labcorp
Classification: Benign. Last evaluated: 2026-02-04. Review status: criteria provided, single submitter. Criteria: Invitae Variant Classification Sherloc (09022015). Collection method: clinical testing. Allele origin: germline.

Mayo Clinic Laboratories, Mayo Clinic
Classification: Likely benign. Last evaluated: 2025-06-27. Review status: criteria provided, single submitter. Criteria: ACMG Guidelines, 2015. Collection method: clinical testing. Allele origin: germline. Observed: 16 variant alleles.
Comment: BS1, BP4

Women's Health and Genetics/Laboratory Corporation of America, LabCorp
Classification: Benign. Last evaluated: 2024-12-02. Review status: criteria provided, single submitter. Criteria: LabCorp Variant Classification Summary - May 2015. Collection method: clinical testing. Allele origin: germline.
Comment: Variant summary: TNXB c.2030A>G (p.Asp677Gly) results in a non-conservative amino acid change located in the Epidermal growth factor-like domain (IPR000742) of the encoded protein sequence. Three of five in-silico tools predict a damaging effect of the variant on protein function. The variant allele was found at a frequency of 0.0019 in 1612186 control chromosomes in the gnomAD database, including 6 homozygotes. The observed variant frequency is approximately 1.7 fold of the estimated maximal expected allele frequency for a pathogenic variant in TNXB causing Ehlers-Danlos syndrome due to tenascin-X deficiency phenotype (0.0011), strongly suggesting the variant is benign. c.2030A>G has been reported in the literature in an individual affected with Ehlers-Danlos syndrome who was homozygous for a complex allele containing a pathogenic variant in trans (e.g. Angwin_2020). This co-occurrence with another pathogenic variant (TNXB c.4129G>T, p.Glu1377X), provides supporting evidence for a benign role. The variant was also reported as a VUS in an individual affected with chronic kidney disease with bilateral vesicoureteral reflux or in a heterozygous individual affected with non-syndromic cervical insufficiency, both without evidence of causality (e.g. Ahn_2020, Volozonoka_2020). These reports do not provide unequivocal conclusions about association of the variant with Ehlers-Danlos syndrome due to tenascin-X deficiency. To our knowledge, no experimental evidence demonstrating an impact on protein function has been reported. The following publications have been ascertained in the context of this evaluation (PMID: 32164334, 31141158, 32214361). ClinVar contains an entry for this variant (Variation ID: 426989). Based on the evidence outlined above, the variant was classified as benign.

Ambry Genetics
Classification: Likely benign for Cardiovascular phenotype. Last evaluated: 2023-10-24. Review status: criteria provided, single submitter. Criteria: Ambry Variant Classification Scheme 2023. Collection method: clinical testing. Allele origin: germline.

Genome Diagnostics Laboratory, The Hospital for Sick Children
Classification: Likely benign for Ehlers-Danlos syndrome. Last evaluated: 2022-03-21. Review status: criteria provided, single submitter. Criteria: ACMG Guidelines, 2015. Collection method: clinical testing. Allele origin: germline.

GeneDx
Classification: Likely benign. Last evaluated: 2021-03-11. Review status: criteria provided, single submitter. Criteria: GeneDx Variant Classification Process June 2021. Collection method: clinical testing. Allele origin: germline. Affected: yes.
Comment: This variant is associated with the following publications: (PMID: 32164334, 31141158, 32214361)

Baylor Genetics
Classification: Uncertain significance for Ehlers-Danlos syndrome due to tenascin-X deficiency. Last evaluated: 2018-12-24. Review status: criteria provided, single submitter. Criteria: ACMG Guidelines, 2015. Collection method: clinical testing. Allele origin: maternal. Affected: yes.
Comment: This variant was determined to be of uncertain significance according to ACMG Guidelines, 2015 [PMID:25741868].

Center for Genomics, Ann and Robert H. Lurie Children's Hospital of Chicago
Classification: Uncertain significance for Ehlers-Danlos syndrome due to tenascin-X deficiency; Vesicoureteral reflux 8. Review status: criteria provided, single submitter. Criteria: ACMG Guidelines, 2015. Collection method: clinical testing. Allele origin: germline.
Comment: TNXB NM_019105.6 exon 3 p.Asp677Gly (c.2030A>G): This variant has not been reported in the literature but is present in 0.4% (118/25154) of European (Finnish) alleles in the Genome Aggregation Database. This variant is present in ClinVar (Variation ID:426989). Evolutionary conservation and computational predictive tools suggest that this variant may impact the protein. In summary, data on this variant is insufficient for disease classification. Therefore, the clinical significance of this variant is uncertain.

Zotz-Klimas Genetics Lab, MVZ Zotz Klimas
Classification: Uncertain significance for Ehlers-Danlos syndrome due to tenascin-X deficiency. Last evaluated: 2023-11-24. Review status: no assertion criteria provided. Collection method: clinical testing. Allele origin: germline. Affected: yes. Not counted in ClinVar's aggregate classification.

Clinical Genetics DNA and cytogenetics Diagnostics Lab, Erasmus MC, Erasmus Medical Center
Classification: Likely benign. Review status: no assertion criteria provided. Collection method: clinical testing. Allele origin: germline. Affected: yes. Study: VKGL Data-share Consensus. Not counted in ClinVar's aggregate classification.

Genome Diagnostics Laboratory, Amsterdam University Medical Center
Classification: Likely benign. Review status: no assertion criteria provided. Collection method: clinical testing. Allele origin: germline. Affected: yes. Study: VKGL Data-share Consensus. Not counted in ClinVar's aggregate classification.

Genome Diagnostics Laboratory, University Medical Center Utrecht
Classification: Likely benign. Review status: no assertion criteria provided. Collection method: clinical testing. Allele origin: germline. Affected: yes. Study: VKGL Data-share Consensus. Not counted in ClinVar's aggregate classification.

Literature cited by the submitters: PubMed 31141158 (cited by 3 submitters); PubMed 32164334 (cited by 3 submitters); PubMed 32214361 (cited by 3 submitters).

NM_001365276.2(TNXB):c.2030A>G (p.Asp677Gly)

Gene: TNXB (tenascin XB; minus strand). Cytogenetic location: 6p21.33.
Variant type: single nucleotide variant.
Coding change: c.2030A>G on transcript NM_001365276.2 (MANE Select); coding-DNA position 2030, A replaced by G.
Protein change: p.Asp677Gly; replaces aspartic acid 677 with glycine.
Molecular consequence: missense variant.
Genome position (GRCh38, 1-based): chr6:32,095,823, T>C on the plus strand (A>G on the coding strand, the complement: TNXB is on the minus strand). VCF-style: chr6-32095823-T-C. GRCh37 (hg19) VCF-style: chr6-32063600-T-C.
Other names: p.Asp677Gly; c.2030A>G, p.Asp677Gly (NM_019105.8); short protein forms D677G.
Identifiers: ClinVar variation 426989 (VCV000426989.60), dbSNP rs141190850, ClinGen allele CA3735567.
Genomic context (GRCh38, chr6:32,095,823, plus strand): 5'-AGTTCCCGGGGCCCGCAGCCTCCAGGGCAGGCGCTGGCTGGAGGCTCTTCCTGCCCGCAG[T>C]CCTCACCGCCATAGCCCACGTGGCACAGGCACACTCCTTGCACACACCGCCCACGTCCCC-3'
Protein context (NP_001352205.1, residues 667-687): CLCHVGYGGE[Asp677Gly]CGQEEPPASA